The following is an entry in ClinVar:

ClinVar aggregate classification (germline): Uncertain significance (1 of 4 stars; one submission).

Conditions:
Mitochondrial DNA depletion syndrome 13. Also called: FBXL4-Related Encephalomyopathic Mitochondrial DNA Depletion Syndrome; Mitochondrial DNA depletion syndrome 13 (encephalomyopathic type). Identifiers: Orphanet 369897, MedGen C3809592, MONDO:0014198, OMIM 615471.

Allele frequency attached by ClinVar (database versions not stated): gnomAD exomes below 0.00001; ExAC 0.00001; gnomAD 0.00001.

Submission:

Wong Mito Lab, Molecular and Human Genetics, Baylor College of Medicine
Classification: Uncertain significance for Mitochondrial DNA depletion syndrome 13. Last evaluated: 2017-08-10. Review status: criteria provided, single submitter. Criteria: ACMG Guidelines, 2015. Collection method: reference population. Allele origin: germline.
Comment: The NM_012160.4:c.676C>T (NP_036292.2:p.His226Tyr) [GRCH38: NC_000006.12:g.98917556G>A] variant in FBXL4 gene is interpretated to be a Uncertain Significance - Insufficient Evidence based on ACMG guidelines (PMID: 25741868). This variant meets one or more of the following evidence codes reported in the ACMG-guideline. PM2:This variant is absent in key population databases. Based on this evidence code ClinGen Pathogenicity Calculator (PMID:28081714) suggested that the variant is Uncertain Significance - Insufficient Evidence.

NM_001278716.2(FBXL4):c.676C>T (p.His226Tyr)

Gene: FBXL4 (F-box and leucine rich repeat protein 4; minus strand). Cytogenetic location: 6q16.2.
Variant type: single nucleotide variant.
Coding change: c.676C>T on transcript NM_001278716.2 (MANE Select); coding-DNA position 676, C replaced by T.
Protein change: p.His226Tyr; replaces histidine 226 with tyrosine.
Molecular consequence: missense variant.
Genome position (GRCh38, 1-based): chr6:98,917,556, G>A on the plus strand (C>T on the coding strand, the complement: FBXL4 is on the minus strand). VCF-style: chr6-98917556-G-A. GRCh37 (hg19) VCF-style: chr6-99365432-G-A.
Other names: c.676C>T, p.His226Tyr (NM_012160.5); short protein forms H226Y.
Identifiers: ClinVar variation 437615 (VCV000437615.1), dbSNP rs763549609, ClinGen allele CA3933638.